The following is an entry in ClinVar:

ClinVar aggregate classification (germline): Uncertain significance (1 of 4 stars; one submission).

Allele frequency attached by ClinVar (database versions not stated): TOPMed 0.00001.

Submission:

GeneDx
Classification: Uncertain significance. Last evaluated: 2025-12-17. Review status: criteria provided, single submitter. Criteria: GeneDx Variant Classification Process June 2021. Collection method: clinical testing. Allele origin: germline. Affected: yes.
Comment: Not observed at significant frequency in large population cohorts (gnomAD); In silico analysis suggests that this missense variant does not alter protein structure/function; Has not been previously published as pathogenic or benign to our knowledge

NM_004187.5(KDM5C):c.4207A>T (p.Met1403Leu)

Gene: KDM5C (lysine demethylase 5C; minus strand). Cytogenetic location: Xp11.22.
Variant type: single nucleotide variant.
Coding change: c.4207A>T on transcript NM_004187.5 (MANE Select); coding-DNA position 4207, A replaced by T.
Protein change: p.Met1403Leu; replaces methionine 1403 with leucine.
Molecular consequence: missense variant. On other transcripts: non-coding transcript variant (3).
Genome position (GRCh38, 1-based): chrX:53,193,547, T>A on the plus strand (A>T on the coding strand, the complement: KDM5C is on the minus strand). VCF-style: chrX-53193547-T-A. GRCh37 (hg19) VCF-style: chrX-53222729-T-A.
Other names: c.3997A>T, p.Met1333Leu (NM_001146702.2); c.4204A>T, p.Met1402Leu (NM_001282622.3, NM_001353979.2); c.4198A>T, p.Met1400Leu (NM_001353978.3, NM_001353981.2, NM_001353984.2); c.4195A>T, p.Met1399Leu (NM_001353982.2); short protein forms M1333L, M1399L, M1400L, M1402L, M1403L.
Identifiers: ClinVar variation 2505634 (VCV002505634.2), dbSNP rs782474106, ClinGen allele CA413105242.
Genomic context (GRCh38, chrX:53,193,547, plus strand): 5'-GCAGCTGCCATATGCTGTGGTTCTCATCCAGGGTCACCTCGAGCAGGTCCCCCTCCATCA[T>A]GAGCTCCTCCAAGGGGGCCCGGGTTGCCTCAGGCAGTTCCAACACAGGGCCAGTCAACTG-3'
Protein context (NP_004178.2, residues 1393-1413): EATRAPLEEL[Met1403Leu]MEGDLLEVTL